The following is an entry in ClinVar:

NM_001354930.2(RIPK1):c.1322G>A (p.Ser441Asn)

Gene: RIPK1 (receptor interacting serine/threonine kinase 1; plus strand). Cytogenetic location: 6p25.2.
Variant type: single nucleotide variant.
Coding change: c.1322G>A on transcript NM_001354930.2 (MANE Select); coding-DNA position 1322, G replaced by A.
Protein change: p.Ser441Asn; replaces serine 441 with asparagine.
Molecular consequence: missense variant.
Genome position (GRCh38, 1-based): chr6:3,105,797, G>A. VCF-style: chr6-3105797-G-A. GRCh37 (hg19) VCF-style: chr6-3106031-G-A.
Other names: c.833G>A, p.Ser278Asn (NM_001317061.3, NM_001354932.2, NM_001354933.2 and 1 more transcripts); c.1184G>A, p.Ser395Asn (NM_001354931.2); c.1322G>A, p.Ser441Asn (NM_003804.6); short protein forms S441N, S278N, S395N.
Identifiers: ClinVar variation 1363303 (VCV001363303.8), dbSNP rs772610497, ClinGen allele CA3618411.

ClinVar aggregate classification (germline): Uncertain significance (1 of 4 stars; one submission).

Allele frequency attached by ClinVar (database versions not stated): gnomAD exomes 0.00001; ExAC 0.00002; gnomAD 0.00003 and 0.00004; TOPMed 0.00003.
gnomAD v4.1: 72 of 1,614,086 alleles (0.0045%); highest among the groups gnomAD compares: Non-Finnish European, 0.006%; no homozygotes.

Submission:

Labcorp Genetics (formerly Invitae), Labcorp
Classification: Uncertain significance. Last evaluated: 2025-08-17. Review status: criteria provided, single submitter. Criteria: Invitae Variant Classification Sherloc (09022015). Collection method: clinical testing. Allele origin: germline.
Comment: This sequence change replaces serine, which is neutral and polar, with asparagine, which is neutral and polar, at codon 441 of the RIPK1 protein (p.Ser441Asn). This variant is present in population databases (rs772610497, gnomAD 0.002%). This variant has not been reported in the literature in individuals affected with RIPK1-related conditions. ClinVar contains an entry for this variant (Variation ID: 1363303). An algorithm developed to predict the effect of missense changes on protein structure and function outputs the following: PolyPhen-2: "Benign". The asparagine amino acid residue is found in multiple mammalian species, which suggests that this missense change does not adversely affect protein function. In summary, the available evidence is currently insufficient to determine the role of this variant in disease. Therefore, it has been classified as a Variant of Uncertain Significance.